The following is an entry in ClinVar:

NM_004606.5(TAF1):c.448A>G (p.Lys150Glu)

Gene: TAF1 (TATA-box binding protein associated factor 1; plus strand). Cytogenetic location: Xq13.1.
Variant type: single nucleotide variant.
Coding change: c.448A>G on transcript NM_004606.5 (MANE Select); coding-DNA position 448, A replaced by G.
Protein change: p.Lys150Glu; replaces lysine 150 with glutamic acid.
Molecular consequence: missense variant. On other transcripts: non-coding transcript variant (9).
Genome position (GRCh38, 1-based): chrX:71,375,262, A>G. VCF-style: chrX-71375262-A-G. GRCh37 (hg19) VCF-style: chrX-70595112-A-G.
Other names: c.448A>G, p.Lys150Glu (NM_001286074.2, NM_138923.4); c.508A>G (NM_004606.3); short protein forms K150E.
Identifiers: ClinVar variation 1878614 (VCV001878614.3), dbSNP rs755220829, ClinGen allele CA10446572.

ClinVar aggregate classification (germline): Uncertain significance. Review status: criteria provided, multiple submitters, no conflicts (2 of 4 stars). 2 submissions from 2 submitters: Uncertain significance (2). Last evaluated 2023-08-08.

Conditions:
Inborn genetic diseases. Identifiers: MedGen C0950123, MeSH D030342.
Intellectual developmental disorder, X-linked, syndromic 33. Also called: X-linked intellectual disability-global development delay-facial dysmorphism-sacral caudal remnant syndrome; Intellectual disability, X-linked, syndromic 33. Identifiers: Orphanet 480907, MedGen C4225418, MONDO:0010500, OMIM 300966.

Allele frequency attached by ClinVar (database versions not stated): ExAC 0.00001; gnomAD exomes 0.00001.
gnomAD v4.1: 7 of 1,209,332 alleles (0.00058%); highest among the groups gnomAD compares: South Asian, 0.011%; no homozygotes.

Submissions (2):

Ambry Genetics
Classification: Uncertain significance for Inborn genetic diseases. Last evaluated: 2023-08-08. Review status: criteria provided, single submitter. Criteria: Ambry Variant Classification Scheme 2023. Collection method: clinical testing. Allele origin: germline.

Neuberg Centre For Genomic Medicine, NCGM
Classification: Uncertain significance for Intellectual developmental disorder, X-linked, syndromic 33. Review status: criteria provided, single submitter. Criteria: ACMG Guidelines, 2015. Collection method: clinical testing. Allele origin: germline. Affected: yes.
Comment: The missense variant in c.508A>G(p.Lys170Glu) in TAF1 gene has not been reported previously as a pathogenic variant nor as a benign variant, to our knowledge. This variant is reported with the allele frequency (0.002%) with two individuals in the hemizygous state in the gnomad and novel in 1000 genome database. The amino acid Lysine at position 170 is changed to a Glutamic acid changing protein sequence and it might alter its composition and physicochemical properties. In silico tools predict the variant to be tolerated. The residue is conserved across species. For these reasons, this variant has been classified as Uncertain Significance.